The following is an entry in ClinVar:

ClinVar aggregate classification (germline): Uncertain significance (1 of 4 stars; one submission).

Allele frequency attached by ClinVar (database versions not stated): TOPMed below 0.00001; gnomAD exomes 0.00001; ExAC 0.00003.
gnomAD v4.1: 7 of 1,612,876 alleles (0.00043%); highest among the groups gnomAD compares: Admixed American, 0.012%; no homozygotes.

Submission:

Labcorp Genetics (formerly Invitae), Labcorp
Classification: Uncertain significance. Last evaluated: 2025-01-06. Review status: criteria provided, single submitter. Criteria: Invitae Variant Classification Sherloc (09022015). Collection method: clinical testing. Allele origin: germline.
Comment: This sequence change replaces glycine, which is neutral and non-polar, with alanine, which is neutral and non-polar, at codon 1399 of the SBF1 protein (p.Gly1399Ala). This variant is present in population databases (rs757509015, gnomAD 0.02%). This variant has not been reported in the literature in individuals affected with SBF1-related conditions. ClinVar contains an entry for this variant (Variation ID: 2418015). Invitae Evidence Modeling of protein sequence and biophysical properties (such as structural, functional, and spatial information, amino acid conservation, physicochemical variation, residue mobility, and thermodynamic stability) indicates that this missense variant is not expected to disrupt SBF1 protein function with a negative predictive value of 80%. In summary, the available evidence is currently insufficient to determine the role of this variant in disease. Therefore, it has been classified as a Variant of Uncertain Significance.

NM_002972.4(SBF1):c.4196G>C (p.Gly1399Ala)

Gene: SBF1 (SET binding factor 1; minus strand). Cytogenetic location: 22q13.33.
Variant type: single nucleotide variant.
Coding change: c.4196G>C on transcript NM_002972.4 (MANE Select); coding-DNA position 4196, G replaced by C.
Protein change: p.Gly1399Ala; replaces glycine 1399 with alanine.
Molecular consequence: missense variant.
Genome position (GRCh38, 1-based): chr22:50,456,286, C>G on the plus strand (G>C on the coding strand, the complement: SBF1 is on the minus strand). VCF-style: chr22-50456286-C-G. GRCh37 (hg19) VCF-style: chr22-50894715-C-G.
Other names: c.4121G>C, p.Gly1374Ala (NM_001365819.1); c.4199G>C, p.Gly1400Ala (NM_001410794.1); c.4118G>C, p.Gly1373Ala (NM_001410795.1); c.4196G>C, p.Gly1399Ala (NM_197971.1); short protein forms G1373A, G1374A, G1399A, G1400A.
Identifiers: ClinVar variation 2418015 (VCV002418015.4), dbSNP rs757509015, ClinGen allele CA10316357.